The following is an entry in ClinVar:

NM_017763.6(RNF43):c.298G>A (p.Glu100Lys)

Gene: RNF43 (ring finger protein 43; minus strand). Cytogenetic location: 17q22.
Variant type: single nucleotide variant.
Coding change: c.298G>A on transcript NM_017763.6 (MANE Select); coding-DNA position 298, G replaced by A.
Protein change: p.Glu100Lys; replaces glutamic acid 100 with lysine.
Molecular consequence: missense variant. On other transcripts: 5 prime UTR variant (2).
Genome position (GRCh38, 1-based): chr17:58,370,988, C>T on the plus strand (G>A on the coding strand, the complement: RNF43 is on the minus strand). VCF-style: chr17-58370988-C-T. GRCh37 (hg19) VCF-style: chr17-56448349-C-T.
Other names: c.298G>A, p.Glu100Lys (NM_001305544.3, NM_001438820.1, NM_001438821.1 and 1 more transcripts); c.-84G>A (NM_001305545.2, NM_001437987.1); short protein forms E100K.
Identifiers: ClinVar variation 5028331 (VCV005028331.1).

ClinVar aggregate classification (germline): Uncertain significance (1 of 4 stars; one submission).

Submission:

Ambry Genetics
Classification: Uncertain significance. Last evaluated: 2026-07-05. Review status: criteria provided, single submitter. Criteria: Ambry Variant Classification Scheme 2023. Collection method: clinical testing. Allele origin: germline.
Comment: The p.E100K variant (also known as c.298G>A), located in coding exon 2 of the RNF43 gene, results from a G to A substitution at nucleotide position 298. The glutamic acid at codon 100 is replaced by lysine, an amino acid with similar properties. This amino acid position is conserved. In addition, this alteration is predicted to be tolerated by in silico analysis. Based on the available evidence, the clinical significance of this variant remains unclear.